The following is an entry in ClinVar:

NM_014797.3(ZBTB24):c.233T>A (p.Met78Lys)

Gene: ZBTB24 (zinc finger and BTB domain containing 24; minus strand). Cytogenetic location: 6q21.
Variant type: single nucleotide variant.
Coding change: c.233T>A on transcript NM_014797.3 (MANE Select); coding-DNA position 233, T replaced by A.
Protein change: p.Met78Lys; replaces methionine 78 with lysine.
Molecular consequence: missense variant.
Genome position (GRCh38, 1-based): chr6:109,481,794, A>T on the plus strand (T>A on the coding strand, the complement: ZBTB24 is on the minus strand). VCF-style: chr6-109481794-A-T. GRCh37 (hg19) VCF-style: chr6-109802997-A-T.
Other names: c.233T>A, p.Met78Lys (NM_001164313.2); short protein forms M78K.
Identifiers: ClinVar variation 1011632 (VCV001011632.6), dbSNP rs768303189, ClinGen allele CA365210879.

ClinVar aggregate classification (germline): Uncertain significance (1 of 4 stars; one submission).

Conditions:
Immunodeficiency-centromeric instability-facial anomalies syndrome 2 (ICF2). Identifiers: Orphanet 2268, MedGen C3279748, MONDO:0013553, OMIM 614069.

Submission:

Labcorp Genetics (formerly Invitae), Labcorp
Classification: Uncertain significance for Immunodeficiency-centromeric instability-facial anomalies syndrome 2. Last evaluated: 2022-02-05. Review status: criteria provided, single submitter. Criteria: Invitae Variant Classification Sherloc (09022015). Collection method: clinical testing. Allele origin: germline.
Comment: This sequence change replaces methionine, which is neutral and non-polar, with lysine, which is basic and polar, at codon 78 of the ZBTB24 protein (p.Met78Lys). This variant is not present in population databases (gnomAD no frequency). This variant has not been reported in the literature in individuals affected with ZBTB24-related conditions. ClinVar contains an entry for this variant (Variation ID: 1011632). Algorithms developed to predict the effect of missense changes on protein structure and function are either unavailable or do not agree on the potential impact of this missense change (SIFT: "Not Available"; PolyPhen-2: "Benign"; Align-GVGD: "Not Available"). In summary, the available evidence is currently insufficient to determine the role of this variant in disease. Therefore, it has been classified as a Variant of Uncertain Significance.